The following is an entry in ClinVar:

NM_006361.6(HOXB13):c.19G>A (p.Ala7Thr)

Gene: HOXB13 (homeobox B13; minus strand). Cytogenetic location: 17q21.32.
Variant type: single nucleotide variant.
Coding change: c.19G>A on transcript NM_006361.6 (MANE Select); coding-DNA position 19, G replaced by A.
Protein change: p.Ala7Thr; replaces alanine 7 with threonine.
Molecular consequence: missense variant.
Genome position (GRCh38, 1-based): chr17:48,728,575, C>T on the plus strand (G>A on the coding strand, the complement: HOXB13 is on the minus strand). VCF-style: chr17-48728575-C-T. GRCh37 (hg19) VCF-style: chr17-46805937-C-T.
Other names: short protein forms A7T.
Identifiers: ClinVar variation 1043963 (VCV001043963.8), dbSNP rs1597935367, ClinGen allele CA400109939.

ClinVar aggregate classification (germline): Uncertain significance (1 of 4 stars; one submission).

Submission:

Labcorp Genetics (formerly Invitae), Labcorp
Classification: Uncertain significance. Last evaluated: 2020-11-03. Review status: criteria provided, single submitter. Criteria: Invitae Variant Classification Sherloc (09022015). Collection method: clinical testing. Allele origin: germline.
Comment: Algorithms developed to predict the effect of missense changes on protein structure and function output the following: SIFT: "Tolerated"; PolyPhen-2: "Benign"; Align-GVGD: "Class C0". The threonine amino acid residue is found in multiple mammalian species, suggesting that this missense change does not adversely affect protein function. These predictions have not been confirmed by published functional studies and their clinical significance is uncertain. In summary, the available evidence is currently insufficient to determine the role of this variant in disease. Therefore, it has been classified as a Variant of Uncertain Significance. This variant has not been reported in the literature in individuals with HOXB13-related conditions. This variant is not present in population databases (ExAC no frequency). This sequence change replaces alanine with threonine at codon 7 of the HOXB13 protein (p.Ala7Thr). The alanine residue is weakly conserved and there is a small physicochemical difference between alanine and threonine.